The following is an entry in ClinVar:

NM_019066.5(MAGEL2):c.341C>T (p.Pro114Leu)

Gene: MAGEL2 (MAGE family member L2; minus strand). Cytogenetic location: 15q11.2.
Variant type: single nucleotide variant.
Coding change: c.341C>T on transcript NM_019066.5 (MANE Select); coding-DNA position 341, C replaced by T.
Protein change: p.Pro114Leu; replaces proline 114 with leucine.
Molecular consequence: missense variant.
Genome position (GRCh38, 1-based): chr15:23,647,402, G>A on the plus strand (C>T on the coding strand, the complement: MAGEL2 is on the minus strand). VCF-style: chr15-23647402-G-A. GRCh37 (hg19) VCF-style: chr15-23892549-G-A.
Other names: short protein forms P114L.
Identifiers: ClinVar variation 1205970 (VCV001205970.3), dbSNP rs778021010, ClinGen allele CA7430118.

ClinVar aggregate classification (germline): Uncertain significance. Review status: criteria provided, single submitter (1 of 4 stars). 3 submissions from 3 submitters: Uncertain significance (1). 2 of the submissions do not count toward it. Last evaluated 2025-12-25.

Allele frequency attached by ClinVar (database versions not stated): gnomAD exomes 0.00002; ExAC 0.00014.

Submissions (3):

Labcorp Genetics (formerly Invitae), Labcorp
Classification: Uncertain significance. Last evaluated: 2025-12-25. Review status: criteria provided, single submitter. Criteria: Invitae Variant Classification Sherloc (09022015). Collection method: clinical testing. Allele origin: germline.
Comment: This sequence change replaces proline, which is neutral and non-polar, with leucine, which is neutral and non-polar, at codon 114 of the MAGEL2 protein (p.Pro114Leu). This variant is present in population databases (rs778021010, gnomAD 0.009%). This variant has not been reported in the literature in individuals affected with MAGEL2-related conditions. ClinVar contains an entry for this variant (Variation ID: 1205970). Experimental studies and prediction algorithms are not available or were not evaluated, and the functional significance of this variant is currently unknown. In summary, the available evidence is currently insufficient to determine the role of this variant in disease. Therefore, it has been classified as a Variant of Uncertain Significance.

Clinical Genetics DNA and cytogenetics Diagnostics Lab, Erasmus MC, Erasmus Medical Center
Classification: Uncertain significance. Review status: no assertion criteria provided. Collection method: clinical testing. Allele origin: germline. Affected: yes. Study: VKGL Data-share Consensus. Not counted in ClinVar's aggregate classification.

Laboratory of Diagnostic Genome Analysis, Leiden University Medical Center (LUMC)
Classification: Uncertain significance. Review status: no assertion criteria provided. Collection method: clinical testing. Allele origin: germline. Affected: yes. Study: VKGL Data-share Consensus. Not counted in ClinVar's aggregate classification.